The following is an entry in ClinVar:

ClinVar aggregate classification (germline): Likely benign (1 of 4 stars; one submission).

gnomAD v4.1: 5,988 of 1,356,274 alleles (0.44%); highest among the groups gnomAD compares: Admixed American, 0.86%; 13 homozygotes.

Submission:

CeGaT Center for Human Genetics Tuebingen
Classification: Likely benign. Last evaluated: 2026-09-01. Review status: criteria provided, single submitter. Criteria: CeGaT Center For Human Genetics Tuebingen Variant Classification Criteria Version 2. Collection method: clinical testing. Allele origin: germline. Affected: yes. Observed: 3 variant alleles.
Comment: RAB34: BS2

NM_031934.6(RAB34):c.-383A>G

Genes: NARR (nine-amino acid residue-repeats; minus strand), RAB34 (RAB34, member RAS oncogene family; minus strand). Cytogenetic location: 17q11.2.
Variant type: single nucleotide variant.
Coding change: c.-383A>G on transcript NM_031934.6 (MANE Select); 383 bases upstream of the start codon, A replaced by G.
Molecular consequence: 5 prime UTR variant. On other transcripts: synonymous variant (1), intron variant (6).
Genome position (GRCh38, 1-based): chr17:28,717,649, T>C on the plus strand (A>G on the coding strand, the complement: RAB34 is on the minus strand). VCF-style: chr17-28717649-T-C. GRCh37 (hg19) VCF-style: chr17-27044667-T-C.
Other names: c.-383A>G (NM_001144942.2); c.60A>G, p.Val20= (NM_001256281.3); c.146+473A>G (NM_001256278.1); c.147-358A>G (NM_001142624.2, NM_001144943.1, NM_001142625.2); c.-159-224A>G (NM_001256276.2, NM_001256277.2).
Identifiers: ClinVar variation 4872065 (VCV004872065.2).
Genomic context (GRCh38, chr17:28,717,649, plus strand): 5'-AGACCCTACGATTACGCGGGGCCGGATAGTTCCTACGATTACGCGGGGCCGGATGGTTCC[T>C]ACAATAACCCGGGGCCGCGGAGACCCGACGTCATCTCGGGGCTGAGGCTGCCCTACCATT-3'